The following is an entry in ClinVar:

NM_206933.4(USH2A):c.7520T>C (p.Met2507Thr)

Gene: USH2A (usherin; minus strand). Cytogenetic location: 1q41.
Variant type: single nucleotide variant.
Coding change: c.7520T>C on transcript NM_206933.4 (MANE Select); coding-DNA position 7520, T replaced by C.
Protein change: p.Met2507Thr; replaces methionine 2507 with threonine.
Molecular consequence: missense variant.
Genome position (GRCh38, 1-based): chr1:215,900,149, A>G on the plus strand (T>C on the coding strand, the complement: USH2A is on the minus strand). VCF-style: chr1-215900149-A-G. GRCh37 (hg19) VCF-style: chr1-216073491-A-G.
Other names: short protein forms M2507T.
Identifiers: ClinVar variation 1401144 (VCV001401144.3), dbSNP rs745836040, ClinGen allele CA344847352.

ClinVar aggregate classification (germline): Uncertain significance (1 of 4 stars; one submission).

Allele frequency attached by ClinVar (database versions not stated): gnomAD exomes 0.00001.
gnomAD v4.1: 3 of 1,613,808 alleles (0.00019%); highest among the groups gnomAD compares: Non-Finnish European, 0.00025%; no homozygotes.

Submission:

Labcorp Genetics (formerly Invitae), Labcorp
Classification: Uncertain significance. Last evaluated: 2021-11-01. Review status: criteria provided, single submitter. Criteria: Invitae Variant Classification Sherloc (09022015). Collection method: clinical testing. Allele origin: germline.
Comment: This sequence change replaces methionine, which is neutral and non-polar, with threonine, which is neutral and polar, at codon 2507 of the USH2A protein (p.Met2507Thr). This variant is not present in population databases (gnomAD no frequency). This variant has not been reported in the literature in individuals affected with USH2A-related conditions. Algorithms developed to predict the effect of missense changes on protein structure and function (SIFT, PolyPhen-2, Align-GVGD) all suggest that this variant is likely to be tolerated. In summary, the available evidence is currently insufficient to determine the role of this variant in disease. Therefore, it has been classified as a Variant of Uncertain Significance.